The following is an entry in ClinVar:

NM_001145308.5(LRTOMT):c.454G>A (p.Ala152Thr)

Genes: ANAPC15 (anaphase promoting complex subunit 15; minus strand), LRTOMT (leucine rich transmembrane and O-methyltransferase domain containing; plus strand), TOMT (transmembrane O-methyltransferase; plus strand). Cytogenetic location: 11q13.4.
Variant type: single nucleotide variant.
Coding change: c.454G>A on transcript NM_001145308.5; coding-DNA position 454, G replaced by A.
Protein change: p.Ala152Thr; replaces alanine 152 with threonine.
Molecular consequence: missense variant. On other transcripts: 3 prime UTR variant (3), non-coding transcript variant (1), intron variant (7).
Genome position (GRCh38, 1-based): chr11:72,108,018, G>A. VCF-style: chr11-72108018-G-A. GRCh37 (hg19) VCF-style: chr11-71819064-G-A.
Other names: c.355G>A, p.Ala119Thr (NM_001393500.2); c.454G>A, p.Ala152Thr (NM_001145309.4); c.334G>A, p.Ala112Thr (NM_001145310.4); c.*801C>T (NM_001393443.1, NM_001393444.1, NM_001393445.1); c.64-413C>T (NM_001393459.1); c.319-413C>T (NM_001393430.1, NM_001393429.1, NM_001393428.1 and 3 more transcripts); short protein forms A119T, A152T, A112T.
Identifiers: ClinVar variation 2059616 (VCV002059616.3), dbSNP rs1338469234, ClinGen allele CA381721646.

ClinVar aggregate classification (germline): Uncertain significance (1 of 4 stars; one submission).

gnomAD v4.1: 2 of 1,551,662 alleles (0.00013%); highest among the groups gnomAD compares: Non-Finnish European, 0.00017%; no homozygotes.

Submission:

Labcorp Genetics (formerly Invitae), Labcorp
Classification: Uncertain significance. Last evaluated: 2022-08-09. Review status: criteria provided, single submitter. Criteria: Invitae Variant Classification Sherloc (09022015). Collection method: clinical testing. Allele origin: germline.
Comment: This variant has not been reported in the literature in individuals affected with LRTOMT-related conditions. In summary, the available evidence is currently insufficient to determine the role of this variant in disease. Therefore, it has been classified as a Variant of Uncertain Significance. Algorithms developed to predict the effect of missense changes on protein structure and function are either unavailable or do not agree on the potential impact of this missense change (SIFT: "Deleterious"; PolyPhen-2: "Benign"; Align-GVGD: "Class C55"). This variant is not present in population databases (gnomAD no frequency). This sequence change replaces alanine, which is neutral and non-polar, with threonine, which is neutral and polar, at codon 152 of the LRTOMT protein (p.Ala152Thr).